The following is an entry in ClinVar:

ClinVar aggregate classification (germline): Uncertain significance (1 of 4 stars; one submission).

gnomAD v4.1: 16 of 1,040,390 alleles (0.0015%); highest among the groups gnomAD compares: Non-Finnish European, 0.0017%; no homozygotes.

Submission:

Labcorp Genetics (formerly Invitae), Labcorp
Classification: Uncertain significance. Last evaluated: 2025-04-08. Review status: criteria provided, single submitter. Criteria: Invitae Variant Classification Sherloc (09022015). Collection method: clinical testing. Allele origin: germline.
Comment: This sequence change replaces glycine, which is neutral and non-polar, with arginine, which is basic and polar, at codon 1042 of the GRIN2D protein (p.Gly1042Arg). The frequency data for this variant in the population databases is considered unreliable, as metrics indicate insufficient coverage at this position in the gnomAD database. This variant has not been reported in the literature in individuals affected with GRIN2D-related conditions. ClinVar contains an entry for this variant (Variation ID: 2078649). Invitae Evidence Modeling of protein sequence and biophysical properties (such as structural, functional, and spatial information, amino acid conservation, physicochemical variation, residue mobility, and thermodynamic stability) indicates that this missense variant is not expected to disrupt GRIN2D protein function with a negative predictive value of 95%. In summary, the available evidence is currently insufficient to determine the role of this variant in disease. Therefore, it has been classified as a Variant of Uncertain Significance.

NM_000836.4(GRIN2D):c.3124G>A (p.Gly1042Arg)

Gene: GRIN2D (glutamate ionotropic receptor NMDA type subunit 2D; plus strand). Cytogenetic location: 19q13.33.
Variant type: single nucleotide variant.
Coding change: c.3124G>A on transcript NM_000836.4 (MANE Select); coding-DNA position 3124, G replaced by A.
Protein change: p.Gly1042Arg; replaces glycine 1042 with arginine.
Molecular consequence: missense variant.
Genome position (GRCh38, 1-based): chr19:48,443,050, G>A. VCF-style: chr19-48443050-G-A. GRCh37 (hg19) VCF-style: chr19-48946307-G-A.
Other names: short protein forms G1042R.
Identifiers: ClinVar variation 2078649 (VCV002078649.4), dbSNP rs1297532606, ClinGen allele CA406674921.